The following is an entry in ClinVar:

ClinVar aggregate classification (germline): Uncertain significance (1 of 4 stars; one submission).

Conditions:
Hereditary spastic paraplegia 73. Also called: Spastic paraplegia 73, autosomal dominant. Identifiers: Orphanet 444099, MedGen C5568981, MONDO:0014568, OMIM 616282.

Submission:

Labcorp Genetics (formerly Invitae), Labcorp
Classification: Uncertain significance for Hereditary spastic paraplegia 73. Last evaluated: 2024-01-04. Review status: criteria provided, single submitter. Criteria: Invitae Variant Classification Sherloc (09022015). Collection method: clinical testing. Allele origin: germline.
Comment: This variant is a gross deletion of the genomic region encompassing exon(s) 15-16 of the CPT1C gene. This variant would be expected to be in-frame, preserving the integrity of the reading frame. This variant has not been reported in the literature in individuals affected with CPT1C-related conditions. Experimental studies and prediction algorithms are not available or were not evaluated, and the functional significance of this variant is currently unknown. In summary, the available evidence is currently insufficient to determine the role of this variant in disease. Therefore, it has been classified as a Variant of Uncertain Significance.

NC_000019.9:g.(?_50213557)_(50214134_?)del

Gene: CPT1C (carnitine palmitoyltransferase 1C; plus strand). Cytogenetic location: 19q13.33.
Variant type: Deletion.
Identifiers: ClinVar variation 2423816 (VCV002423816.4).